The following is an entry in ClinVar:

NM_001457.4(FLNB):c.7436C>T (p.Pro2479Leu)

Genes: FLNB (filamin B; plus strand), FLNB-AS1 (FLNB antisense RNA 1; minus strand). Cytogenetic location: 3p14.3.
Variant type: single nucleotide variant.
Coding change: c.7436C>T on transcript NM_001457.4 (MANE Select); coding-DNA position 7436, C replaced by T.
Protein change: p.Pro2479Leu; replaces proline 2479 with leucine.
Molecular consequence: missense variant.
Genome position (GRCh38, 1-based): chr3:58,169,608, C>T. VCF-style: chr3-58169608-C-T. GRCh37 (hg19) VCF-style: chr3-58155335-C-T.
Other names: c.7529C>T, p.Pro2510Leu (NM_001164317.2); c.7403C>T, p.Pro2468Leu (NM_001164318.2); c.7364C>T, p.Pro2455Leu (NM_001164319.2); short protein forms P2468L, P2479L, P2510L, P2455L.
Identifiers: ClinVar variation 3680399 (VCV003680399.2).

ClinVar aggregate classification (germline): Uncertain significance (1 of 4 stars; one submission).

gnomAD v4.1: 3 of 1,614,152 alleles (0.00019%); highest among the groups gnomAD compares: Non-Finnish European, 0.00025%; no homozygotes.

Submission:

Labcorp Genetics (formerly Invitae), Labcorp
Classification: Uncertain significance. Last evaluated: 2025-01-01. Review status: criteria provided, single submitter. Criteria: Invitae Variant Classification Sherloc (09022015). Collection method: clinical testing. Allele origin: germline.
Comment: This sequence change replaces proline, which is neutral and non-polar, with leucine, which is neutral and non-polar, at codon 2479 of the FLNB protein (p.Pro2479Leu). This variant is present in population databases (no rsID available, gnomAD 0.0009%). This variant has not been reported in the literature in individuals affected with FLNB-related conditions. Invitae Evidence Modeling of protein sequence and biophysical properties (such as structural, functional, and spatial information, amino acid conservation, physicochemical variation, residue mobility, and thermodynamic stability) indicates that this missense variant is not expected to disrupt FLNB protein function with a negative predictive value of 95%. In summary, the available evidence is currently insufficient to determine the role of this variant in disease. Therefore, it has been classified as a Variant of Uncertain Significance.